The following is an entry in ClinVar:

ClinVar aggregate classification (germline): Uncertain significance. Review status: criteria provided, multiple submitters, no conflicts (2 of 4 stars). 2 submissions from 2 submitters: Uncertain significance (2). Last evaluated 2025-09-04.

Allele frequency attached by ClinVar (database versions not stated): gnomAD exomes 0.00002; TOPMed 0.00005; ExAC 0.00002; gnomAD 0.00002.
gnomAD v4.1: 14 of 1,613,980 alleles (0.00087%); highest among the groups gnomAD compares: Admixed American, 0.018%; no homozygotes.

Submissions (2):

Ambry Genetics
Classification: Uncertain significance. Last evaluated: 2025-09-04. Review status: criteria provided, single submitter. Criteria: Ambry Variant Classification Scheme 2023. Collection method: clinical testing. Allele origin: germline.

Labcorp Genetics (formerly Invitae), Labcorp
Classification: Uncertain significance. Last evaluated: 2022-03-27. Review status: criteria provided, single submitter. Criteria: Invitae Variant Classification Sherloc (09022015). Collection method: clinical testing. Allele origin: germline.
Comment: This sequence change replaces proline, which is neutral and non-polar, with serine, which is neutral and polar, at codon 484 of the IFNAR2 protein (p.Pro484Ser). This variant is present in population databases (rs758207930, gnomAD 0.02%). This variant has not been reported in the literature in individuals affected with IFNAR2-related conditions. Algorithms developed to predict the effect of missense changes on protein structure and function output the following: SIFT: "Tolerated"; PolyPhen-2: "Benign"; Align-GVGD: "Class C0". The serine amino acid residue is found in multiple mammalian species, which suggests that this missense change does not adversely affect protein function. In summary, the available evidence is currently insufficient to determine the role of this variant in disease. Therefore, it has been classified as a Variant of Uncertain Significance.

NM_001289125.3(IFNAR2):c.1450C>T (p.Pro484Ser)

Genes: IFNAR2 (interferon alpha and beta receptor subunit 2; plus strand), IFNAR2-IL10RB (IFNAR2-IL10RB readthrough; plus strand). Cytogenetic location: 21q22.11.
Variant type: single nucleotide variant.
Coding change: c.1450C>T on transcript NM_001289125.3 (MANE Select); coding-DNA position 1450, C replaced by T.
Protein change: p.Pro484Ser; replaces proline 484 with serine.
Molecular consequence: missense variant. On other transcripts: 3 prime UTR variant (5), intron variant (1).
Genome position (GRCh38, 1-based): chr21:33,263,402, C>T. VCF-style: chr21-33263402-C-T. GRCh37 (hg19) VCF-style: chr21-34635707-C-T.
Other names: c.*686C>T (NM_000874.5, NM_207584.3); c.*599C>T (NM_001289126.2, NM_001289128.2); c.*825C>T (NM_001385054.1); c.1450C>T, p.Pro484Ser (NM_207585.3); c.1318+132C>T (NM_001385055.1); short protein forms P484S.
Identifiers: ClinVar variation 1925103 (VCV001925103.4), dbSNP rs758207930, ClinGen allele CA10005990.